The following is an entry in ClinVar:

NM_000533.5(PLP1):c.712_713insTGCAGTTCCAAATG (p.His238fs)

Genes: PLP1 (proteolipid protein 1; plus strand), RAB9B (RAB9B, member RAS oncogene family; minus strand). Cytogenetic location: Xq22.2.
Variant type: Insertion.
Coding change: c.712_713insTGCAGTTCCAAATG on transcript NM_000533.5 (MANE Select); coding-DNA positions 712 to 713, TGCAGTTCCAAATG inserted.
Protein change: p.His238fs; shifts the reading frame from histidine 238.
Molecular consequence: frameshift variant.
Genome position: GRCh38 VCF-style: chrX-103789348-C-CTGCAGTTCCAAATG. GRCh37 (hg19) VCF-style: chrX-103044277-C-CTGCAGTTCCAAATG.
Other names: c.712_713insTGCAGTTCCAAATG, p.His238fs (NM_001128834.3); c.547_548insTGCAGTTCCAAATG, p.His183fs (NM_001305004.1); c.607_608insTGCAGTTCCAAATG, p.His203fs (NM_199478.3); short protein forms H238fs, H183fs, H203fs.
Identifiers: ClinVar variation 817891 (VCV000817891.11), dbSNP rs1602385672, ClinGen allele CA915952362.

ClinVar aggregate classification (germline): Pathogenic/Likely pathogenic. Review status: criteria provided, multiple submitters, no conflicts (2 of 4 stars). 2 submissions from 2 submitters: Pathogenic (1); Likely pathogenic (1). Last evaluated 2024-09-03.

Conditions:
Hereditary spastic paraplegia 2 (SPG2). Also called: Spastic Paraplegia 2 (SPG2); SPASTIC PARAPLEGIA 2, X-LINKED. Identifiers: Orphanet 99015, MedGen C0751604, MONDO:0010733, OMIM 312920.

Submissions (2):

GeneDx
Classification: Likely pathogenic. Last evaluated: 2024-09-03. Review status: criteria provided, single submitter. Criteria: GeneDx Variant Classification Process June 2021. Collection method: clinical testing. Allele origin: germline. Affected: yes.
Comment: Frameshift variant predicted to result in abnormal protein length as the last 40 amino acids are replaced with 25 different amino acids, and other similar variants have been reported in HGMD; Not observed at significant frequency in large population cohorts (gnomAD); Has not been previously published as pathogenic or benign to our knowledge

Labcorp Genetics (formerly Invitae), Labcorp
Classification: Pathogenic for Hereditary spastic paraplegia 2. Last evaluated: 2023-07-14. Review status: criteria provided, single submitter. Criteria: Invitae Variant Classification Sherloc (09022015). Collection method: clinical testing. Allele origin: germline.
Comment: This variant disrupts a region of the PLP1 protein in which other variant(s) (p.Gly246Ala) have been determined to be pathogenic (PMID: 15712223, 19825935). This suggests that this is a clinically significant region of the protein, and that variants that disrupt it are likely to be disease-causing. For these reasons, this variant has been classified as Pathogenic. ClinVar contains an entry for this variant (Variation ID: 817891). This variant has not been reported in the literature in individuals affected with PLP1-related conditions. This variant is not present in population databases (gnomAD no frequency). This sequence change creates a premature translational stop signal (p.His238Leufs*26) in the PLP1 gene. While this is not anticipated to result in nonsense mediated decay, it is expected to disrupt the last 40 amino acid(s) of the PLP1 protein.

Literature cited by the submitters: PubMed 15712223 (cited by Labcorp Genetics (formerly Invitae), Labcorp); PubMed 19825935 (cited by Labcorp Genetics (formerly Invitae), Labcorp).